The following is an entry in ClinVar:

NM_005502.4(ABCA1):c.3437G>A (p.Ser1146Asn)

Gene: ABCA1 (ATP binding cassette subfamily A member 1; minus strand). Cytogenetic location: 9q31.1.
Variant type: single nucleotide variant.
Coding change: c.3437G>A on transcript NM_005502.4 (MANE Select); coding-DNA position 3437, G replaced by A.
Protein change: p.Ser1146Asn; replaces serine 1146 with asparagine.
Molecular consequence: missense variant.
Genome position (GRCh38, 1-based): chr9:104,818,688, C>T on the plus strand (G>A on the coding strand, the complement: ABCA1 is on the minus strand). VCF-style: chr9-104818688-C-T. GRCh37 (hg19) VCF-style: chr9-107580969-C-T.
Other names: short protein forms S1146N.
Identifiers: ClinVar variation 3833847 (VCV003833847.1).
Genomic context (GRCh38, chr9:104,818,688, plus strand): 5'-CCCAACACCAGCCCAGCACCAAGACTGCAGCTCACCTTTTTCAGGTATGACACAGTGCTA[C>T]TACTGTTTCTGCAGGAACTGAGGGAGGATTCCACATCTTTCTTGACCAAGGTCAGGTAGT-3'
Protein context (NP_005493.2, residues 1136-1156): ESSLSSCRNS[Ser1146Asn]STVSYLKKED

ClinVar aggregate classification (germline): Uncertain significance (1 of 4 stars; one submission).

Conditions:
Cardiovascular phenotype. Identifiers: MedGen CN230736.

Submission:

Ambry Genetics
Classification: Uncertain significance for Cardiovascular phenotype. Last evaluated: 2025-02-04. Review status: criteria provided, single submitter. Criteria: Ambry Variant Classification Scheme 2023. Collection method: clinical testing. Allele origin: germline.
Comment: The p.S1146N variant (also known as c.3437G>A), located in coding exon 22 of the ABCA1 gene, results from a G to A substitution at nucleotide position 3437. The serine at codon 1146 is replaced by asparagine, an amino acid with highly similar properties. This amino acid position is conserved. In addition, this alteration is predicted to be tolerated by in silico analysis. Based on the available evidence, the clinical significance of this variant remains unclear.